The following is an entry in ClinVar:

ClinVar aggregate classification (germline): Likely pathogenic (1 of 4 stars; one submission).

Conditions:
Saldino-Mainzer syndrome (SRTD9). Also called: CONORENAL SYNDROME; Renal dysplasia, retinal pigmentary dystrophy, cerebellar ataxia and skeletal dysplasia; SHORT-RIB THORACIC DYSPLASIA 9 WITHOUT POLYDACTYLY; short-rib thoracic dysplasia 9 with or without polydactyly. Identifiers: Orphanet 140969, MedGen C1849437, MONDO:0009964, OMIM 266920.

Submission:

Labcorp Genetics (formerly Invitae), Labcorp
Classification: Likely pathogenic for Saldino-Mainzer syndrome. Last evaluated: 2025-04-17. Review status: criteria provided, single submitter. Criteria: Invitae Variant Classification Sherloc (09022015). Collection method: clinical testing. Allele origin: germline.
Comment: This sequence change affects a donor splice site in intron 3 of the IFT140 gene. It is expected to disrupt RNA splicing. Variants that disrupt the donor or acceptor splice site typically lead to a loss of protein function (PMID: 16199547), and loss-of-function variants in IFT140 are known to be pathogenic (PMID: 22503633, 23418020, 24009529, 26216056). This variant is not present in population databases (gnomAD no frequency). This variant has not been reported in the literature in individuals affected with IFT140-related conditions. ClinVar contains an entry for this variant (Variation ID: 2021738). Algorithms developed to predict the effect of sequence changes on RNA splicing suggest that this variant may disrupt the consensus splice site. In summary, the currently available evidence indicates that the variant is pathogenic, but additional data are needed to prove that conclusively. Therefore, this variant has been classified as Likely Pathogenic.

Literature cited by the submitters: PubMed 16199547; PubMed 22503633; PubMed 23418020; PubMed 24009529; PubMed 26216056.

NM_014714.4(IFT140):c.147+2T>G

Genes: IFT140 (intraflagellar transport 140; minus strand), LOC105371046 (uncharacterized LOC105371046; plus strand). Cytogenetic location: 16p13.3.
Variant type: single nucleotide variant.
Coding change: c.147+2T>G on transcript NM_014714.4 (MANE Select); the canonical splice donor site of the intron after coding-DNA position 147, T replaced by G.
Molecular consequence: splice donor variant.
Genome position (GRCh38, 1-based): chr16:1,607,118, A>C on the plus strand (T>G on the coding strand, the complement: IFT140 is on the minus strand). VCF-style: chr16-1607118-A-C. GRCh37 (hg19) VCF-style: chr16-1657119-A-C.
Identifiers: ClinVar variation 2021738 (VCV002021738.4), dbSNP rs2508713536, ClinGen allele CA394194450.